The following is an entry in ClinVar:

NM_001041.4(SI):c.2107T>A (p.Phe703Ile)

Gene: SI (sucrase-isomaltase; minus strand). Cytogenetic location: 3q26.1.
Variant type: single nucleotide variant.
Coding change: c.2107T>A on transcript NM_001041.4 (MANE Select); coding-DNA position 2107, T replaced by A.
Protein change: p.Phe703Ile; replaces phenylalanine 703 with isoleucine.
Molecular consequence: missense variant.
Genome position (GRCh38, 1-based): chr3:165,040,992, A>T on the plus strand (T>A on the coding strand, the complement: SI is on the minus strand). VCF-style: chr3-165040992-A-T. GRCh37 (hg19) VCF-style: chr3-164758780-A-T.
Other names: short protein forms F703I.
Identifiers: ClinVar variation 2132305 (VCV002132305.1), dbSNP rs763849928, ClinGen allele CA86539236.

ClinVar aggregate classification (germline): Uncertain significance (1 of 4 stars; one submission).

Submission:

Labcorp Genetics (formerly Invitae), Labcorp
Classification: Uncertain significance. Last evaluated: 2022-09-07. Review status: criteria provided, single submitter. Criteria: Invitae Variant Classification Sherloc (09022015). Collection method: clinical testing. Allele origin: germline.
Comment: This sequence change replaces phenylalanine, which is neutral and non-polar, with isoleucine, which is neutral and non-polar, at codon 703 of the SI protein (p.Phe703Ile). This variant is not present in population databases (gnomAD no frequency). This variant has not been reported in the literature in individuals affected with SI-related conditions. Advanced modeling of protein sequence and biophysical properties (such as structural, functional, and spatial information, amino acid conservation, physicochemical variation, residue mobility, and thermodynamic stability) performed at Invitae indicates that this missense variant is expected to disrupt SI protein function. In summary, the available evidence is currently insufficient to determine the role of this variant in disease. Therefore, it has been classified as a Variant of Uncertain Significance.